The following is an entry in ClinVar:

ClinVar aggregate classification (germline): Uncertain significance. Review status: criteria provided, multiple submitters, no conflicts (2 of 4 stars). 2 submissions from 2 submitters: Uncertain significance (2). Last evaluated 2023-12-15.

Conditions:
Inborn genetic diseases. Identifiers: MedGen C0950123, MeSH D030342.

Allele frequency attached by ClinVar (database versions not stated): gnomAD 0.00005 and 0.00006.
gnomAD v4.1: 36 of 1,612,876 alleles (0.0022%); highest among the groups gnomAD compares: East Asian, 0.013%; no homozygotes.

Submissions (2):

Ambry Genetics
Classification: Uncertain significance for Inborn genetic diseases. Last evaluated: 2023-12-15. Review status: criteria provided, single submitter. Criteria: Ambry Variant Classification Scheme 2023. Collection method: clinical testing. Allele origin: germline.

Labcorp Genetics (formerly Invitae), Labcorp
Classification: Uncertain significance. Last evaluated: 2022-07-19. Review status: criteria provided, single submitter. Criteria: Invitae Variant Classification Sherloc (09022015). Collection method: clinical testing. Allele origin: germline.
Comment: ClinVar contains an entry for this variant (Variation ID: 1373659). This sequence change replaces alanine, which is neutral and non-polar, with valine, which is neutral and non-polar, at codon 386 of the UNC45A protein (p.Ala386Val). This variant is present in population databases (rs766201939, gnomAD 0.005%). This variant has not been reported in the literature in individuals affected with UNC45A-related conditions. Experimental studies and prediction algorithms are not available or were not evaluated, and the functional significance of this variant is currently unknown. In summary, the available evidence is currently insufficient to determine the role of this variant in disease. Therefore, it has been classified as a Variant of Uncertain Significance.

NM_018671.5(UNC45A):c.1157C>T (p.Ala386Val)

Gene: UNC45A (unc-45 myosin chaperone A; plus strand). Cytogenetic location: 15q26.1.
Variant type: single nucleotide variant.
Coding change: c.1157C>T on transcript NM_018671.5 (MANE Select); coding-DNA position 1157, C replaced by T.
Protein change: p.Ala386Val; replaces alanine 386 with valine.
Molecular consequence: missense variant.
Genome position (GRCh38, 1-based): chr15:90,945,021, C>T. VCF-style: chr15-90945021-C-T. GRCh37 (hg19) VCF-style: chr15-91488251-C-T.
Other names: c.1112C>T, p.Ala371Val (NM_001039675.2, NM_001323621.2); c.1157C>T, p.Ala386Val (NM_001323619.1); c.722C>T, p.Ala241Val (NM_001323620.2); c.1157C>T (NM_018671.3); short protein forms A371V, A241V, A386V.
Identifiers: ClinVar variation 1373659 (VCV001373659.6), dbSNP rs766201939, ClinGen allele CA7742797.